The following is an entry in ClinVar:

NM_002485.5(NBN):c.584+5A>G

Gene: NBN (nibrin; minus strand). Cytogenetic location: 8q21.3.
Variant type: single nucleotide variant.
Coding change: c.584+5A>G on transcript NM_002485.5 (MANE Select); 5 bases into the intron after coding-DNA position 584, A replaced by G.
Molecular consequence: intron variant.
Genome position (GRCh38, 1-based): chr8:89,978,215, T>C on the plus strand (A>G on the coding strand, the complement: NBN is on the minus strand). VCF-style: chr8-89978215-T-C. GRCh37 (hg19) VCF-style: chr8-90990443-T-C.
Other names: c.338+5A>G (NM_001024688.3).
Identifiers: ClinVar variation 483941 (VCV000483941.15), dbSNP rs1309889719, ClinGen allele CA583375382.

ClinVar aggregate classification (germline): Conflicting classifications of pathogenicity. Review status: criteria provided, conflicting classifications (1 of 4 stars). 3 submissions from 3 submitters: Uncertain significance (2); Likely benign (1). Last evaluated 2022-11-01.

Conditions:
Hereditary cancer-predisposing syndrome. Also called: Hereditary neoplastic syndrome; Neoplastic Syndromes, Hereditary; Tumor predisposition; Hereditary Cancer Syndrome. Identifiers: Orphanet 140162, MedGen C0027672, MeSH D009386, MONDO:0015356.
Microcephaly, normal intelligence and immunodeficiency (NBS). Also called: IMMUNODEFICIENCY, MICROCEPHALY, AND CHROMOSOMAL INSTABILITY; SEEMANOVA SYNDROME II; Nijmegen breakage syndrome; Microcephaly with normal intelligence immunodeficiency and lymphoreticular malignancies; Nonsyndromal microcephaly autosomal recessive with normal intelligence; Seemanova syndrome 2. Identifiers: Orphanet 647, MedGen C0398791, MONDO:0009623, OMIM 251260.

Allele frequency attached by ClinVar (database versions not stated): gnomAD exomes below 0.00001.
gnomAD v4.1: 4 of 1,597,438 alleles (0.00025%); highest among the groups gnomAD compares: South Asian, 0.0011%; no homozygotes.

Submissions (3):

Labcorp Genetics (formerly Invitae), Labcorp
Classification: Uncertain significance for Microcephaly, normal intelligence and immunodeficiency. Last evaluated: 2022-11-01. Review status: criteria provided, single submitter. Criteria: Invitae Variant Classification Sherloc (09022015). Collection method: clinical testing. Allele origin: germline.
Comment: This sequence change falls in intron 5 of the NBN gene. It does not directly change the encoded amino acid sequence of the NBN protein. It affects a nucleotide within the consensus splice site. This variant is present in population databases (no rsID available, gnomAD 0.003%). This variant has not been reported in the literature in individuals affected with NBN-related conditions. ClinVar contains an entry for this variant (Variation ID: 483941). Variants that disrupt the consensus splice site are a relatively common cause of aberrant splicing (PMID: 17576681, 9536098). Algorithms developed to predict the effect of sequence changes on RNA splicing suggest that this variant is not likely to affect RNA splicing. In summary, the available evidence is currently insufficient to determine the role of this variant in disease. Therefore, it has been classified as a Variant of Uncertain Significance.

Genome-Nilou Lab
Classification: Uncertain significance for Microcephaly, normal intelligence and immunodeficiency. Last evaluated: 2021-11-07. Review status: criteria provided, single submitter. Criteria: ACMG Guidelines, 2015. Collection method: clinical testing. Allele origin: germline. Affected: no.

Ambry Genetics
Classification: Likely benign for Hereditary cancer-predisposing syndrome. Last evaluated: 2019-10-07. Review status: criteria provided, single submitter. Criteria: Ambry Variant Classification Scheme 2023. Collection method: clinical testing. Allele origin: germline.

Literature cited by the submitters: PubMed 17576681 (cited by Labcorp Genetics (formerly Invitae), Labcorp); PubMed 9536098 (cited by Labcorp Genetics (formerly Invitae), Labcorp).